The following is an entry in ClinVar:

NM_004456.5(EZH2):c.2195+99T>C

Gene: EZH2 (enhancer of zeste 2 polycomb repressive complex 2 subunit; minus strand). Cytogenetic location: 7q36.1.
Variant type: single nucleotide variant.
Coding change: c.2195+99T>C on transcript NM_004456.5 (MANE Select); 99 bases into the intron after coding-DNA position 2195, T replaced by C.
Molecular consequence: intron variant.
Genome position (GRCh38, 1-based): chr7:148,808,972, A>G on the plus strand (T>C on the coding strand, the complement: EZH2 is on the minus strand). VCF-style: chr7-148808972-A-G. GRCh37 (hg19) VCF-style: chr7-148506064-A-G.
Other names: c.2153+99T>C (NM_001203248.2); c.2063+99T>C (NM_152998.3); c.2180+99T>C (NM_001203247.2); c.2027+99T>C (NM_001203249.2).
Identifiers: ClinVar variation 680128 (VCV000680128.2), dbSNP rs740949, ClinGen allele CA15496737.

ClinVar aggregate classification (germline): Benign. Review status: criteria provided, multiple submitters, no conflicts (2 of 4 stars). 2 submissions from 2 submitters: Benign (2). Last evaluated 2018-06-19.

Allele frequency attached by ClinVar (database versions not stated): gnomAD 0.71721; 1000 Genomes Project 0.72823; 1000 Genomes Project 30x 0.73001; TOPMed 0.73208.
gnomAD v4.1: 644,239 of 917,260 alleles (70%); highest among the groups gnomAD compares: African/African-American, 79%; 227,233 homozygotes.

Submissions (2):

GeneDx
Classification: Benign. Last evaluated: 2018-06-19. Review status: criteria provided, single submitter. Criteria: GeneDx Variant Classification (06012015). Collection method: clinical testing. Allele origin: germline. Affected: yes.
Comment: This variant is considered likely benign or benign based on one or more of the following criteria: it is a conservative change, it occurs at a poorly conserved position in the protein, it is predicted to be benign by multiple in silico algorithms, and/or has population frequency not consistent with disease.

Breakthrough Genomics
Classification: Benign. Review status: criteria provided, single submitter. Criteria: ACMG Guidelines, 2015. Collection method: not provided. Allele origin: germline. Inheritance: Autosomal dominant inheritance. Affected: yes.